The following is an entry in ClinVar:

ClinVar aggregate classification (germline): Uncertain significance (1 of 4 stars; one submission).

Conditions:
Spondyloepimetaphyseal dysplasia, PAPSS2 type. Also called: BRACHYOLMIA TYPE 4 WITH MILD EPIPHYSEAL AND METAPHYSEAL CHANGES; SPONDYLODYSPLASIA AND PREMATURE PUBARCHE; SEMD, PAKISTANI TYPE. Identifiers: Orphanet 93282, MedGen C2748516, MONDO:0019666, OMIM 612847.

Allele frequency attached by ClinVar (database versions not stated): gnomAD exomes 0.00001 and 0.00002; gnomAD 0.00012 and 0.00013; TOPMed 0.00012.
gnomAD v4.1: 27 of 1,611,620 alleles (0.0017%); highest among the groups gnomAD compares: Admixed American, 0.039%; 1 homozygote.

Submission:

Labcorp Genetics (formerly Invitae), Labcorp
Classification: Uncertain significance for Spondyloepimetaphyseal dysplasia, PAPSS2 type. Last evaluated: 2019-09-22. Review status: criteria provided, single submitter. Criteria: Invitae Variant Classification Sherloc (09022015). Collection method: clinical testing. Allele origin: germline.
Comment: In summary, the available evidence is currently insufficient to determine the role of this variant in disease. Therefore, it has been classified as a Variant of Uncertain Significance. This sequence change replaces histidine with glutamine at codon 358 of the PAPSS2 protein (p.His358Gln). The histidine residue is highly conserved and there is a small physicochemical difference between histidine and glutamine. Algorithms developed to predict the effect of missense changes on protein structure and function are either unavailable or do not agree on the potential impact of this missense change (SIFT: "Deleterious"; PolyPhen-2: "Possibly Damaging"; Align-GVGD: "Class C15"). This variant has not been reported in the literature in individuals with PAPSS2-related conditions. This variant is not present in population databases (ExAC no frequency).

NM_001015880.2(PAPSS2):c.1074C>A (p.His358Gln)

Gene: PAPSS2 (3'-phosphoadenosine 5'-phosphosulfate synthase 2; plus strand). Cytogenetic location: 10q23.31.
Variant type: single nucleotide variant.
Coding change: c.1074C>A on transcript NM_001015880.2 (MANE Select); coding-DNA position 1074, C replaced by A.
Protein change: p.His358Gln; replaces histidine 358 with glutamine.
Molecular consequence: missense variant.
Genome position (GRCh38, 1-based): chr10:87,727,477, C>A. VCF-style: chr10-87727477-C-A. GRCh37 (hg19) VCF-style: chr10-89487234-C-A.
Other names: c.1059C>A, p.His353Gln (NM_004670.4); short protein forms H353Q, H358Q.
Identifiers: ClinVar variation 960394 (VCV000960394.9), dbSNP rs1266193901, ClinGen allele CA377489693.
Genomic context (GRCh38, chr10:87,727,477, plus strand): 5'-CTATGAACACAGAAAAGAGGAACGCTGTTCCCGTGTTTGGGGGACAACATGTACAAAACA[C>A]CCCCATATCAAAGTAAGTCACAAAACCTTTGGAAGGACTTTCTTGAGCTATTTAAACTGA-3'
Protein context (NP_001015880.1, residues 348-368): SRVWGTTCTK[His358Gln]PHIKMVMESG